The following is an entry in ClinVar:

ClinVar aggregate classification (germline): Benign/Likely benign. Review status: criteria provided, multiple submitters, no conflicts (2 of 4 stars). 4 submissions from 4 submitters: Benign (1); Likely benign (3). Last evaluated 2026-06-04.

Conditions:
Gastrointestinal stromal tumor. Also called: Gastrointestinal stromal tumor, somatic; Gastrointestinal stroma tumor. Identifiers: Orphanet 44890, MedGen C0238198, MeSH D046152, MONDO:0011719, OMIM 606764, HP:0100723.
Hereditary cancer-predisposing syndrome. Also called: Hereditary neoplastic syndrome; Neoplastic Syndromes, Hereditary; Hereditary Cancer Syndrome; Tumor predisposition. Identifiers: Orphanet 140162, MedGen C0027672, MeSH D009386, MONDO:0015356.

Allele frequency attached by ClinVar (database versions not stated): gnomAD exomes 0.00001 and 0.00002; ExAC 0.00002; gnomAD 0.00003; TOPMed 0.00005; ESP Exome Variant Server 0.00008.
gnomAD v4.1: 22 of 1,613,920 alleles (0.0014%); highest among the groups gnomAD compares: Non-Finnish European, 0.0019%; no homozygotes.

Submissions (4):

Myriad Genetics, Inc.
Classification: Benign for Gastrointestinal stromal tumor. Last evaluated: 2026-06-04. Review status: criteria provided, single submitter. Criteria: Myriad Autosomal Dominant, Autosomal Recessive and X-Linked Classification Criteria (2023). Collection method: clinical testing. Allele origin: unknown.
Comment: This variant is considered benign. This variant is a silent/synonymous amino acid change and it is not expected to impact splicing.

Labcorp Genetics (formerly Invitae), Labcorp
Classification: Likely benign for Gastrointestinal stromal tumor. Last evaluated: 2026-01-26. Review status: criteria provided, single submitter. Criteria: Invitae Variant Classification Sherloc (09022015). Collection method: clinical testing. Allele origin: germline.

CeGaT Center for Human Genetics Tuebingen
Classification: Likely benign. Last evaluated: 2022-07-01. Review status: criteria provided, single submitter. Criteria: CeGaT Center For Human Genetics Tuebingen Variant Classification Criteria Version 2. Collection method: clinical testing. Allele origin: germline. Affected: yes. Observed: 1 variant allele.
Comment: KIT: BP4, BP7

Ambry Genetics
Classification: Likely benign for Hereditary cancer-predisposing syndrome. Last evaluated: 2019-03-02. Review status: criteria provided, single submitter. Criteria: Ambry Variant Classification Scheme 2023. Collection method: clinical testing. Allele origin: germline.

NM_000222.3(KIT):c.1831T>C (p.Leu611=)

Gene: KIT (KIT proto-oncogene, receptor tyrosine kinase; plus strand). Cytogenetic location: 4q12.
Variant type: single nucleotide variant.
Coding change: c.1831T>C on transcript NM_000222.3 (MANE Select); coding-DNA position 1831, T replaced by C.
Protein change: p.Leu611=; no amino-acid change (leucine 611 retained).
Molecular consequence: synonymous variant.
Genome position (GRCh38, 1-based): chr4:54,727,879, T>C. VCF-style: chr4-54727879-T-C. GRCh37 (hg19) VCF-style: chr4-55594045-T-C.
Other names: c.1819T>C, p.Leu607= (NM_001093772.2, NM_001385286.1); c.1834T>C, p.Leu612= (NM_001385284.1, NM_001385290.1); c.1831T>C, p.Leu611= (NM_001385285.1); c.1822T>C, p.Leu608= (NM_001385288.1, NM_001385292.1).
Identifiers: ClinVar variation 458894 (VCV000458894.39), dbSNP rs369412402, ClinGen allele CA2923583.